The following is an entry in ClinVar:

ClinVar aggregate classification (germline): Uncertain significance (1 of 4 stars; one submission).

Conditions:
Developmental and epileptic encephalopathy, 30 (DEE30). Also called: Epileptic encephalopathy, early infantile, 30. Identifiers: MedGen C4225360, MONDO:0014595, OMIM 616341.

Submission:

Labcorp Genetics (formerly Invitae), Labcorp
Classification: Uncertain significance for Developmental and epileptic encephalopathy, 30. Last evaluated: 2021-04-16. Review status: criteria provided, single submitter. Criteria: Invitae Variant Classification Sherloc (09022015). Collection method: clinical testing. Allele origin: germline.
Comment: In summary, the available evidence is currently insufficient to determine the role of this variant in disease. Therefore, it has been classified as a Variant of Uncertain Significance. Advanced modeling of protein sequence and biophysical properties (such as structural, functional, and spatial information, amino acid conservation, physicochemical variation, residue mobility, and thermodynamic stability) performed at Invitae indicates that this missense variant is not expected to disrupt SIK1 protein function. This variant has not been reported in the literature in individuals with SIK1-related conditions. The frequency data for this variant in the population databases is considered unreliable, as metrics indicate insufficient coverage at this position in the ExAC database. This sequence change replaces alanine with valine at codon 687 of the SIK1 protein (p.Ala687Val). The alanine residue is weakly conserved and there is a small physicochemical difference between alanine and valine.

NM_173354.5(SIK1):c.2060C>T (p.Ala687Val)

Gene: SIK1 (salt inducible kinase 1; minus strand). Cytogenetic location: 21q22.3.
Variant type: single nucleotide variant.
Coding change: c.2060C>T on transcript NM_173354.5 (MANE Select); coding-DNA position 2060, C replaced by T.
Protein change: p.Ala687Val; replaces alanine 687 with valine.
Molecular consequence: missense variant.
Genome position (GRCh38, 1-based): chr21:43,417,034, G>A on the plus strand (C>T on the coding strand, the complement: SIK1 is on the minus strand). VCF-style: chr21-43417034-G-A. GRCh37 (hg19) VCF-style: chr21-44836914-G-A.
Other names: short protein forms A687V.
Identifiers: ClinVar variation 1466231 (VCV001466231.8), dbSNP rs1303657487, ClinGen allele CA410606731.